The following is an entry in ClinVar:

NM_007186.6(CEP250):c.243+1del

Gene: CEP250 (centrosomal protein 250; plus strand). Cytogenetic location: 20q11.22.
Variant type: Deletion.
Coding change: c.243+1del on transcript NM_007186.6 (MANE Select); the canonical splice donor site of the intron after coding-DNA position 243, one base deleted (G; older notation c.243+1delG).
Molecular consequence: splice donor variant.
Genome position (GRCh38, 1-based): chr20:35,463,632, G deleted. VCF-style (leftmost placement, unchanged base first): chr20-35463631-AG-A. GRCh37 (hg19) VCF-style: chr20-34051456-AG-A.
Other names: c.-1657+1del (NM_001318219.1).
Identifiers: ClinVar variation 4808728 (VCV004808728.1).
Genomic context (GRCh38, chr20:35,463,631, plus strand): 5'-GCAGGTGCTGCAGTACCGAAGCTGGTGCCAAGAGCTGGAGAAGCGGCTAGAAGCCACTGG[AG>A]TGAGTGAGGCTGAGCTCTCTGCACCCCCTGGGTCCTCAGTGAATATACTTGTTAGGTTTC-3'

ClinVar aggregate classification (germline): Likely pathogenic (1 of 4 stars; one submission).

Submission:

Labcorp Genetics (formerly Invitae), Labcorp
Classification: Likely pathogenic. Last evaluated: 2025-05-26. Review status: criteria provided, single submitter. Criteria: Invitae Variant Classification Sherloc (09022015). Collection method: clinical testing. Allele origin: germline.
Comment: This sequence change affects a splice site in intron 5 of the CEP250 gene. It is expected to disrupt RNA splicing. Variants that disrupt the donor or acceptor splice site typically lead to a loss of protein function (PMID: 16199547), and loss-of-function variants in CEP250 are known to be pathogenic (PMID: 24780881, 29718797). This variant is not present in population databases (gnomAD no frequency). This variant has not been reported in the literature in individuals affected with CEP250-related conditions. Algorithms developed to predict the effect of sequence changes on RNA splicing suggest that this variant may disrupt the consensus splice site. In summary, the currently available evidence indicates that the variant is pathogenic, but additional data are needed to prove that conclusively. Therefore, this variant has been classified as Likely Pathogenic.

Literature cited by the submitters: PubMed 16199547; PubMed 24780881; PubMed 29718797.